The following is an entry in ClinVar:

NM_053025.4(MYLK):c.358G>C (p.Glu120Gln)

Gene: MYLK (myosin light chain kinase; minus strand). Cytogenetic location: 3q21.1.
Variant type: single nucleotide variant.
Coding change: c.358G>C on transcript NM_053025.4 (MANE Select); coding-DNA position 358, G replaced by C.
Protein change: p.Glu120Gln; replaces glutamic acid 120 with glutamine.
Molecular consequence: missense variant. On other transcripts: intron variant (1).
Genome position (GRCh38, 1-based): chr3:123,752,346, C>G on the plus strand (G>C on the coding strand, the complement: MYLK is on the minus strand). VCF-style: chr3-123752346-C-G. GRCh37 (hg19) VCF-style: chr3-123471193-C-G.
Other names: c.358G>C, p.Glu120Gln (NM_053026.4, NM_053027.4, NM_053028.4); c.-155-12345G>C (NM_001321309.2); short protein forms E120Q.
Identifiers: ClinVar variation 2789432 (VCV002789432.3), dbSNP rs2063221778, ClinGen allele CA354243860.

ClinVar aggregate classification (germline): Uncertain significance (1 of 4 stars; one submission).

Conditions:
Aortic aneurysm, familial thoracic 7 (AAT7). Also called: AORTIC DISSECTION, FAMILIAL, WITH OR WITHOUT AORTIC ANEURYSM. Identifiers: MedGen C3151077, MONDO:0013418, OMIM 613780.

Submission:

Labcorp Genetics (formerly Invitae), Labcorp
Classification: Uncertain significance for Aortic aneurysm, familial thoracic 7. Last evaluated: 2023-02-28. Review status: criteria provided, single submitter. Criteria: Invitae Variant Classification Sherloc (09022015). Collection method: clinical testing. Allele origin: germline.
Comment: In summary, the available evidence is currently insufficient to determine the role of this variant in disease. Therefore, it has been classified as a Variant of Uncertain Significance. Advanced modeling of protein sequence and biophysical properties (such as structural, functional, and spatial information, amino acid conservation, physicochemical variation, residue mobility, and thermodynamic stability) performed at Invitae indicates that this missense variant is not expected to disrupt MYLK protein function. This variant has not been reported in the literature in individuals affected with MYLK-related conditions. This variant is not present in population databases (gnomAD no frequency). This sequence change replaces glutamic acid, which is acidic and polar, with glutamine, which is neutral and polar, at codon 120 of the MYLK protein (p.Glu120Gln).